The following is an entry in ClinVar:

ClinVar aggregate classification (germline): Conflicting classifications of pathogenicity. Review status: criteria provided, conflicting classifications (1 of 4 stars). 2 submissions from 2 submitters: Uncertain significance (1); Likely benign (1). Last evaluated 2022-09-27.

Conditions:
Developmental and epileptic encephalopathy, 36 (DEE36). Also called: Congenital disorder of glycosylation, type Is; ALG13-CDG; Epileptic encephalopathy, early infantile, 36. Identifiers: Orphanet 324422, MedGen C4317295, MONDO:0010472, OMIM 300884.

Allele frequency attached by ClinVar (database versions not stated): gnomAD exomes 0.00001; TOPMed 0.00001; gnomAD 0.00005.
gnomAD v4.1: 8 of 1,129,498 alleles (0.00071%); highest among the groups gnomAD compares: Non-Finnish European, 0.00097%; no homozygotes.

Submissions (2):

Labcorp Genetics (formerly Invitae), Labcorp
Classification: Uncertain significance for Developmental and epileptic encephalopathy, 36. Last evaluated: 2022-09-27. Review status: criteria provided, single submitter. Criteria: Invitae Variant Classification Sherloc (09022015). Collection method: clinical testing. Allele origin: germline.
Comment: This sequence change falls in intron 22 of the ALG13 gene. It does not directly change the encoded amino acid sequence of the ALG13 protein. It affects a nucleotide within the consensus splice site. This variant is not present in population databases (gnomAD no frequency). This variant has not been reported in the literature in individuals affected with ALG13-related conditions. ClinVar contains an entry for this variant (Variation ID: 668431). Variants that disrupt the consensus splice site are a relatively common cause of aberrant splicing (PMID: 17576681, 9536098). Algorithms developed to predict the effect of sequence changes on RNA splicing suggest that this variant is not likely to affect RNA splicing. In summary, the available evidence is currently insufficient to determine the role of this variant in disease. Therefore, it has been classified as a Variant of Uncertain Significance.

GeneDx
Classification: Likely benign. Last evaluated: 2018-05-14. Review status: criteria provided, single submitter. Criteria: GeneDx Variant Classification (06012015). Collection method: clinical testing. Allele origin: germline. Affected: yes.
Comment: This variant is considered likely benign or benign based on one or more of the following criteria: it is a conservative change, it occurs at a poorly conserved position in the protein, it is predicted to be benign by multiple in silico algorithms, and/or has population frequency not consistent with disease.

Literature cited by the submitters: PubMed 17576681 (cited by Labcorp Genetics (formerly Invitae), Labcorp); PubMed 9536098 (cited by Labcorp Genetics (formerly Invitae), Labcorp).

NM_001099922.3(ALG13):c.2529+6C>G

Gene: ALG13 (ALG13 UDP-N-acetylglucosaminyltransferase subunit; plus strand). Cytogenetic location: Xq23.
Variant type: single nucleotide variant.
Coding change: c.2529+6C>G on transcript NM_001099922.3 (MANE Select); 6 bases into the intron after coding-DNA position 2529, C replaced by G.
Molecular consequence: intron variant.
Genome position (GRCh38, 1-based): chrX:111,735,128, C>G. VCF-style: chrX-111735128-C-G. GRCh37 (hg19) VCF-style: chrX-110978356-C-G.
Other names: c.2217+6C>G (NM_001257237.2, NM_001257234.2, NM_001257230.2); c.2043+6C>G (NM_001324293.1); c.2295+6C>G (NM_001257231.2); c.2529+6C>G (NM_001324292.2).
Identifiers: ClinVar variation 668431 (VCV000668431.4), dbSNP rs1569520797, ClinGen allele CA915912263.
Genomic context (GRCh38, chrX:111,735,128, plus strand): 5'-GTCATGTTCTATGTCTCCTCAGGACACAGTTACCTCATACAACTACCCCCAGAAGGTAAT[C>G]CTCATAGTGTTATTAAGCAGTTACAATGGCCTGAACACAGAAAAATGAATTTCCTCTTTT-3'